The following is an entry in ClinVar:

NM_152743.4(BRAT1):c.2315T>G (p.Val772Gly)

Gene: BRAT1 (BRCA1 associated ATM activator 1; minus strand). Cytogenetic location: 7p22.3.
Variant type: single nucleotide variant.
Coding change: c.2315T>G on transcript NM_152743.4 (MANE Select); coding-DNA position 2315, T replaced by G.
Protein change: p.Val772Gly; replaces valine 772 with glycine.
Molecular consequence: missense variant. On other transcripts: non-coding transcript variant (1).
Genome position (GRCh38, 1-based): chr7:2,538,220, A>C on the plus strand (T>G on the coding strand, the complement: BRAT1 is on the minus strand). VCF-style: chr7-2538220-A-C. GRCh37 (hg19) VCF-style: chr7-2577854-A-C.
Other names: c.2495T>G, p.Val832Gly (NM_001350626.2); c.1790T>G, p.Val597Gly (NM_001350627.2); short protein forms V597G, V772G, V832G.
Identifiers: ClinVar variation 1461594 (VCV001461594.6), dbSNP rs2128383105, ClinGen allele CA366623157.

ClinVar aggregate classification (germline): Uncertain significance (1 of 4 stars; one submission).

Conditions:
Neonatal-onset encephalopathy with rigidity and seizures. Also called: Lethal neonatal spasticity-epileptic encephalopathy syndrome. Identifiers: Orphanet 435845, MedGen C3281029, MONDO:0013784, OMIM 614498.

Submission:

Labcorp Genetics (formerly Invitae), Labcorp
Classification: Uncertain significance for Neonatal-onset encephalopathy with rigidity and seizures. Last evaluated: 2021-11-01. Review status: criteria provided, single submitter. Criteria: Invitae Variant Classification Sherloc (09022015). Collection method: clinical testing. Allele origin: germline.
Comment: Algorithms developed to predict the effect of missense changes on protein structure and function are either unavailable or do not agree on the potential impact of this missense change (SIFT: "Deleterious"; PolyPhen-2: "Benign"; Align-GVGD: "Class C25"). In summary, the available evidence is currently insufficient to determine the role of this variant in disease. Therefore, it has been classified as a Variant of Uncertain Significance. This variant has not been reported in the literature in individuals affected with BRAT1-related conditions. This variant is not present in population databases (gnomAD no frequency). This sequence change replaces valine, which is neutral and non-polar, with glycine, which is neutral and non-polar, at codon 772 of the BRAT1 protein (p.Val772Gly).